The following is an entry in ClinVar:

ClinVar aggregate classification (germline): Pathogenic (1 of 4 stars; one submission).

Conditions:
Familial hypocalciuric hypercalcemia (FHH). Also called: Familial benign hypercalcemia. Identifiers: Orphanet 405, MedGen C1809471, MONDO:0018458.
Autosomal dominant hypocalcemia 1 (HYPOC1). Also called: HYPOCALCEMIA, FAMILIAL. Identifiers: MedGen C3715128, MONDO:0011013, OMIM 601198.

Submission:

Labcorp Genetics (formerly Invitae), Labcorp
Classification: Pathogenic for Familial hypocalciuric hypercalcemia; Autosomal dominant hypocalcemia 1. Last evaluated: 2024-06-06. Review status: criteria provided, single submitter. Criteria: Invitae Variant Classification Sherloc (09022015). Collection method: clinical testing. Allele origin: germline.
Comment: This sequence change affects a donor splice site in intron 6 of the CASR gene. While this variant is not anticipated to result in nonsense mediated decay, it likely alters RNA splicing and results in a disrupted protein product. This variant is not present in population databases (gnomAD no frequency). This variant has not been reported in the literature in individuals affected with CASR-related conditions. Variants that disrupt the consensus splice site are a relatively common cause of aberrant splicing (PMID: 17576681, 9536098). Algorithms developed to predict the effect of sequence changes on RNA splicing suggest that this variant may disrupt the consensus splice site. This variant disrupts a region of the CASR protein in which other variant(s) (p.Arg886Pro) have been determined to be pathogenic (PMID: 11807402, 20798521). This suggests that this is a clinically significant region of the protein, and that variants that disrupt it are likely to be disease-causing. For these reasons, this variant has been classified as Pathogenic.

Literature cited by the submitters: PubMed 17576681; PubMed 9536098; PubMed 11807402; PubMed 20798521.

NM_000388.4(CASR):c.1732+1G>C

Gene: CASR (calcium sensing receptor; plus strand). Cytogenetic location: 3q21.1.
Variant type: single nucleotide variant.
Coding change: c.1732+1G>C on transcript NM_000388.4 (MANE Select); the canonical splice donor site of the intron after coding-DNA position 1732, G replaced by C.
Molecular consequence: splice donor variant.
Genome position (GRCh38, 1-based): chr3:122,282,237, G>C. VCF-style: chr3-122282237-G-C. GRCh37 (hg19) VCF-style: chr3-122001084-G-C.
Other names: c.1762+1G>C (NM_001178065.2).
Identifiers: ClinVar variation 3756709 (VCV003756709.2).